The following is an entry in ClinVar:

NM_005918.4(MDH2):c.142C>T (p.Pro48Ser)

Gene: MDH2 (malate dehydrogenase 2; plus strand). Cytogenetic location: 7q11.23.
Variant type: single nucleotide variant.
Coding change: c.142C>T on transcript NM_005918.4 (MANE Select); coding-DNA position 142, C replaced by T.
Protein change: p.Pro48Ser; replaces proline 48 with serine.
Molecular consequence: missense variant. On other transcripts: intron variant (1).
Genome position (GRCh38, 1-based): chr7:76,054,905, C>T. VCF-style: chr7-76054905-C-T. GRCh37 (hg19) VCF-style: chr7-75684223-C-T.
Other names: c.142C>T, p.Pro48Ser (NM_001282403.2); c.-86-2505C>T (NM_001282404.2); short protein forms P48S.
Identifiers: ClinVar variation 3684205 (VCV003684205.2).

ClinVar aggregate classification (germline): Uncertain significance (1 of 4 stars; one submission).

gnomAD v4.1: 3 of 1,614,154 alleles (0.00019%); highest among the groups gnomAD compares: Non-Finnish European, 0.00025%; no homozygotes.

Submission:

Labcorp Genetics (formerly Invitae), Labcorp
Classification: Uncertain significance. Last evaluated: 2025-01-19. Review status: criteria provided, single submitter. Criteria: Invitae Variant Classification Sherloc (09022015). Collection method: clinical testing. Allele origin: germline.
Comment: This sequence change replaces proline, which is neutral and non-polar, with serine, which is neutral and polar, at codon 48 of the MDH2 protein (p.Pro48Ser). This variant is not present in population databases (gnomAD no frequency). This variant has not been reported in the literature in individuals affected with MDH2-related conditions. Invitae Evidence Modeling of protein sequence and biophysical properties (such as structural, functional, and spatial information, amino acid conservation, physicochemical variation, residue mobility, and thermodynamic stability) indicates that this missense variant is not expected to disrupt MDH2 protein function with a negative predictive value of 80%. In summary, the available evidence is currently insufficient to determine the role of this variant in disease. Therefore, it has been classified as a Variant of Uncertain Significance.